The following is an entry in ClinVar:

ClinVar aggregate classification (germline): Conflicting classifications of pathogenicity. Review status: criteria provided, conflicting classifications (1 of 4 stars). 3 submissions from 3 submitters: Uncertain significance (2); Likely benign (1). Last evaluated 2024-12-11.

Conditions:
EPB41-related disorder. Also called: EPB41-related condition.
Elliptocytosis 1 (EL1). Also called: 4.1- TRAIT; 4.1-MINUS TRAIT; ELLIPTOCYTOSIS, RHESUS-LINKED TYPE; PROTEIN 4.1 OF ERYTHROCYTE MEMBRANE, DEFECT OF. Identifiers: Orphanet 288, MedGen C2678497, MONDO:0012731, OMIM 611804.

gnomAD v4.1: 1,162 of 1,613,688 alleles (0.072%); highest among the groups gnomAD compares: Non-Finnish European, 0.094%; no homozygotes.

Submissions (3):

PreventionGenetics, part of Exact Sciences
Classification: Uncertain significance for EPB41-related condition. Last evaluated: 2024-12-11. Review status: criteria provided, single submitter. Criteria: ACMG Guidelines, 2015. Collection method: clinical testing. Allele origin: germline.
Comment: The EPB41 c.1898C>G variant is predicted to result in the amino acid substitution p.Thr633Arg. To our knowledge, this variant has not been reported in the literature. This variant is reported in 0.073% of alleles in individuals of European (Non-Finnish) descent in gnomAD. Although we suspect that this variant may be benign, at this time, the clinical significance of this variant is uncertain due to the absence of conclusive functional and genetic evidence.

ARUP Laboratories, Molecular Genetics and Genomics, ARUP Laboratories
Classification: Uncertain significance for Elliptocytosis 1. Last evaluated: 2024-11-26. Review status: criteria provided, single submitter. Criteria: ARUP Molecular Germline Variant Investigation Process 2024. Collection method: clinical testing. Allele origin: germline.
Comment: The EPB41 c.1219-1781C>G variant (rs149962963), to our knowledge, is not reported in the medical literature or gene specific databases. This variant is found predominantly in the non-Finnish European population with an allele frequency of 0.07% (94/128676 alleles) in the Genome Aggregation Database (v2.1.1). This is an intronic variant and computational analyses (Alamut Visual Plus v.1.5.1) predict that this intronic variant does not alter splicing. This variant however is located within an exon in an alternate transcript of EPB41 (NM_001166005.2) resulting in c.1898C>G; p.Thr633Arg change. This alternate transcript is not highly expressed in whole-blood (Genotype-Tissue Expression project), and therefore, any association with hemolytic anemia is unknown. In addition, computational analyses predict that this missense variant is neutral (REVEL: 0.141). Due to limited information, the clinical significance of this variant is uncertain at this time.

Blueprint Genetics
Classification: Likely benign. Last evaluated: 2024-11-18. Review status: criteria provided, single submitter. Criteria: ACMG Guidelines, 2015. Collection method: clinical testing. Allele origin: germline.

NM_001376013.1(EPB41):c.1898C>G (p.Thr633Arg)

Gene: EPB41 (erythrocyte membrane protein band 4.1; plus strand). Cytogenetic location: 1p35.3.
Variant type: single nucleotide variant.
Coding change: c.1898C>G on transcript NM_001376013.1 (MANE Select); coding-DNA position 1898, C replaced by G.
Protein change: p.Thr633Arg; replaces threonine 633 with arginine.
Molecular consequence: missense variant. On other transcripts: intron variant (6).
Genome position (GRCh38, 1-based): chr1:29,058,641, C>G. VCF-style: chr1-29058641-C-G. GRCh37 (hg19) VCF-style: chr1-29385153-C-G.
Other names: c.1898C>G, p.Thr633Arg (NM_001166005.2, NM_001166006.2, NM_001376014.1 and 4 more transcripts); c.1895C>G, p.Thr632Arg (NM_001376018.1, NM_001376020.1); c.1271C>G, p.Thr424Arg (NM_001376022.1, NM_001376023.1, NM_001376024.1 and 2 more transcripts); c.1268C>G, p.Thr423Arg (NM_001376026.1); c.1740+5329C>G (NM_203343.3); c.1219-1781C>G (NM_004437.4); c.1218+5329C>G (NM_001166007.2, NM_001376027.1); c.1215+5329C>G (NM_001376028.1); and 2 more; short protein forms T423R, T424R, T632R, T633R.
Identifiers: ClinVar variation 3767021 (VCV003767021.3).
Genomic context (GRCh38, chr1:29,058,641, plus strand): 5'-AAATGTAGGTGGAAAAAACCCACATCGAGGTGACAGTACCCACCTCAAATGGTGACCAAA[C>G]ACAGGTTTGTGCCAATAGGCCACTTGTTCCTCTTTCCCTCCACCCCCTCAGTTTTTTTCT-3'
Protein context (NP_001362942.1, residues 623-643): VTVPTSNGDQ[Thr633Arg]QKLAEKTEDL